The following is an entry in ClinVar:

ClinVar aggregate classification (germline): Uncertain significance (1 of 4 stars; one submission).

Submission:

Labcorp Genetics (formerly Invitae), Labcorp
Classification: Uncertain significance. Last evaluated: 2023-06-23. Review status: criteria provided, single submitter. Criteria: Invitae Variant Classification Sherloc (09022015). Collection method: clinical testing. Allele origin: germline.
Comment: This sequence change replaces serine, which is neutral and polar, with phenylalanine, which is neutral and non-polar, at codon 2021 of the FLNB protein (p.Ser2021Phe). This variant is not present in population databases (gnomAD no frequency). This variant has not been reported in the literature in individuals affected with FLNB-related conditions. Advanced modeling of protein sequence and biophysical properties (such as structural, functional, and spatial information, amino acid conservation, physicochemical variation, residue mobility, and thermodynamic stability) performed at Invitae indicates that this missense variant is not expected to disrupt FLNB protein function. In summary, the available evidence is currently insufficient to determine the role of this variant in disease. Therefore, it has been classified as a Variant of Uncertain Significance.

NM_001457.4(FLNB):c.6062C>T (p.Ser2021Phe)

Gene: FLNB (filamin B; plus strand). Cytogenetic location: 3p14.3.
Variant type: single nucleotide variant.
Coding change: c.6062C>T on transcript NM_001457.4 (MANE Select); coding-DNA position 6062, C replaced by T.
Protein change: p.Ser2021Phe; replaces serine 2021 with phenylalanine.
Molecular consequence: missense variant.
Genome position (GRCh38, 1-based): chr3:58,148,823, C>T. VCF-style: chr3-58148823-C-T. GRCh37 (hg19) VCF-style: chr3-58134550-C-T.
Other names: c.6155C>T, p.Ser2052Phe (NM_001164317.2); c.6029C>T, p.Ser2010Phe (NM_001164318.2); c.5990C>T, p.Ser1997Phe (NM_001164319.2); short protein forms S2010F, S1997F, S2052F, S2021F.
Identifiers: ClinVar variation 2725340 (VCV002725340.3), dbSNP rs2471206851, ClinGen allele CA353356490.